The following is an entry in ClinVar:

ClinVar aggregate classification (germline): Conflicting classifications of pathogenicity. Review status: criteria provided, conflicting classifications (1 of 4 stars). 16 submissions from 12 submitters: Uncertain significance (3); Benign (5); Likely benign (3). 5 of the submissions do not count toward it. Last evaluated 2026-02-03.

Conditions:
Dilated cardiomyopathy 1G (CMD1G). Identifiers: Orphanet 154, MedGen C1858763, MONDO:0011400, OMIM 604145.
Autosomal recessive limb-girdle muscular dystrophy type 2J (LGMDR10). Also called: MUSCULAR DYSTROPHY, LIMB-GIRDLE, AUTOSOMAL RECESSIVE 10; Limb-girdle muscular dystrophy, type 2J. Identifiers: Orphanet 140922, MedGen C1837342, MONDO:0012127, OMIM 608807.
Early-onset myopathy with fatal cardiomyopathy (CMYO5). Also called: CONGENITAL MYOPATHY 5 WITH CARDIOMYOPATHY; Salih Myopathy. Identifiers: Orphanet 289377, MedGen C2673677, MONDO:0012714, OMIM 611705. Disease mechanism: loss of function.
Myopathy, myofibrillar, 9, with early respiratory failure (MFM9). Also called: Myopathy, distal, with early respiratory failure, autosomal dominant; Hereditary myopathy with early respiratory failure; MYOPATHY, PROXIMAL, WITH EARLY RESPIRATORY MUSCLE INVOLVEMENT; EDSTROM MYOPATHY. Identifiers: Orphanet 178464, Orphanet 34521, MedGen C1863599, MONDO:0011362, OMIM 603689.
Tibial muscular dystrophy (TMD). Also called: Udd Distal Myopathy – Tibial Muscular Dystrophy; Tibial muscular dystrophy, tardive; UDD MYOPATHY. Identifiers: Orphanet 609, MedGen C1838244, MONDO:0010870, OMIM 600334.

Allele frequency attached by ClinVar (database versions not stated): TOPMed 0.00164; gnomAD exomes 0.00175 and 0.00250; ExAC 0.00180; 1000 Genomes Project 0.00220; 1000 Genomes Project 30x 0.00203; ESP Exome Variant Server 0.00244; gnomAD 0.00173 and 0.00177.
gnomAD v4.1: 3,898 of 1,609,418 alleles (0.24%); highest among the groups gnomAD compares: Non-Finnish European, 0.3%; 4 homozygotes.

Submissions (16):

Labcorp Genetics (formerly Invitae), Labcorp
Classification: Benign for Dilated cardiomyopathy 1G; Autosomal recessive limb-girdle muscular dystrophy type 2J. Last evaluated: 2026-02-03. Review status: criteria provided, single submitter. Criteria: Invitae Variant Classification Sherloc (09022015). Collection method: clinical testing. Allele origin: germline.

ARUP Laboratories, Molecular Genetics and Genomics, ARUP Laboratories
Classification: Likely benign. Last evaluated: 2025-04-22. Review status: criteria provided, single submitter. Criteria: ARUP Molecular Germline Variant Investigation Process 2024. Collection method: clinical testing. Allele origin: germline.

Blueprint Genetics
Classification: Likely benign. Last evaluated: 2024-11-26. Review status: criteria provided, single submitter. Criteria: ACMG Guidelines, 2015. Collection method: clinical testing. Allele origin: germline.

Women's Health and Genetics/Laboratory Corporation of America, LabCorp
Classification: Benign. Last evaluated: 2021-09-25. Review status: criteria provided, single submitter. Criteria: LabCorp Variant Classification Summary - May 2015. Collection method: clinical testing. Allele origin: germline.

Illumina Laboratory Services, Illumina
Classification: Benign for Myopathy, myofibrillar, 9, with early respiratory failure. Last evaluated: 2018-01-12. Review status: criteria provided, single submitter. Criteria: ICSL Variant Classification Criteria 13 December 2019. Collection method: clinical testing. Allele origin: germline.
Comment: This variant was observed in the ICSL laboratory as part of a predisposition screen in an ostensibly healthy population. It had not been previously curated by ICSL or reported in the Human Gene Mutation Database (HGMD: prior to June 1st, 2018), and was therefore a candidate for classification through an automated scoring system. Utilizing variant allele frequency, disease prevalence and penetrance estimates, and inheritance mode, an automated score was calculated to assess if this variant is too frequent to cause the disease. Based on the score and internal cut-off values, a variant classified as benign is not then subjected to further curation. The score for this variant resulted in a classification of benign for this disease.

Illumina Laboratory Services, Illumina
Classification: Benign for Tibial muscular dystrophy. Last evaluated: 2018-01-12. Review status: criteria provided, single submitter. Criteria: ICSL Variant Classification Criteria 13 December 2019. Collection method: clinical testing. Allele origin: germline.
Comment: the same text as in the submission from Illumina Laboratory Services, Illumina above.

Illumina Laboratory Services, Illumina
Classification: Uncertain significance for Autosomal recessive limb-girdle muscular dystrophy type 2J. Last evaluated: 2018-01-12. Review status: criteria provided, single submitter. Criteria: ICSL Variant Classification Criteria 13 December 2019. Collection method: clinical testing. Allele origin: germline.

Illumina Laboratory Services, Illumina
Classification: Uncertain significance for Dilated cardiomyopathy 1G. Last evaluated: 2018-01-12. Review status: criteria provided, single submitter. Criteria: ICSL Variant Classification Criteria 13 December 2019. Collection method: clinical testing. Allele origin: germline.

Illumina Laboratory Services, Illumina
Classification: Uncertain significance for Early-onset myopathy with fatal cardiomyopathy. Last evaluated: 2018-01-12. Review status: criteria provided, single submitter. Criteria: ICSL Variant Classification Criteria 13 December 2019. Collection method: clinical testing. Allele origin: germline.

GeneDx
Classification: Benign. Last evaluated: 2013-04-28. Review status: criteria provided, single submitter. Criteria: GeneDx Variant Classification (06012015). Collection method: clinical testing. Allele origin: germline. Affected: yes.
Comment: This variant is considered likely benign or benign based on one or more of the following criteria: it is a conservative change, it occurs at a poorly conserved position in the protein, it is predicted to be benign by multiple in silico algorithms, and/or has population frequency not consistent with disease.

Laboratory for Molecular Medicine, Mass General Brigham Personalized Medicine
Classification: Likely benign. Last evaluated: 2012-02-17. Review status: criteria provided, single submitter. Criteria: LMM Criteria. Collection method: clinical testing. Allele origin: germline. Observed: 5 variant alleles.
Comment: 26231-13A>G in intron 102 of TTN: This variant is not expected to have clinical significance because it has been identified in 0.3% (22/6752) of European Americ an chromosomes from a broad population by the NHLBI Exome Sequencing Project (dbSNP rs72650008). 26231-13A>G in intron 102 of TTN (rs72650008; allele frequency = 0.3%, 22/6752) **

Clinical Genetics DNA and cytogenetics Diagnostics Lab, Erasmus MC, Erasmus Medical Center
Classification: Benign. Review status: no assertion criteria provided. Collection method: clinical testing. Allele origin: germline. Affected: yes. Study: VKGL Data-share Consensus. Not counted in ClinVar's aggregate classification.

Clinical Genetics, Academic Medical Center
Classification: Benign. Review status: no assertion criteria provided. Collection method: clinical testing. Allele origin: germline. Affected: yes. Study: VKGL Data-share Consensus. Not counted in ClinVar's aggregate classification.

Diagnostic Laboratory, Department of Genetics, University Medical Center Groningen
Classification: Likely benign. Review status: no assertion criteria provided. Collection method: clinical testing. Allele origin: germline. Affected: yes. Study: VKGL Data-share Consensus. Not counted in ClinVar's aggregate classification.

Genome Diagnostics Laboratory, University Medical Center Utrecht
Classification: Likely benign. Review status: no assertion criteria provided. Collection method: clinical testing. Allele origin: germline. Affected: yes. Study: VKGL Data-share Consensus. Not counted in ClinVar's aggregate classification.

Joint Genome Diagnostic Labs from Nijmegen and Maastricht, Radboudumc and MUMC+
Classification: Benign. Review status: no assertion criteria provided. Collection method: clinical testing. Allele origin: germline. Affected: yes. Study: VKGL Data-share Consensus. Not counted in ClinVar's aggregate classification.

NM_001267550.2(TTN):c.29963-13A>G

Gene: TTN (titin; minus strand). Cytogenetic location: 2q31.2.
Variant type: single nucleotide variant.
Coding change: c.29963-13A>G on transcript NM_001267550.2 (MANE Select); 13 bases into the intron before coding-DNA position 29963, A replaced by G.
Molecular consequence: intron variant.
Genome position (GRCh38, 1-based): chr2:178,704,420, T>C on the plus strand (A>G on the coding strand, the complement: TTN is on the minus strand). VCF-style: chr2-178704420-T-C. GRCh37 (hg19) VCF-style: chr2-179569147-T-C.
Other names: c.13282+33662A>G (NM_003319.4); c.13858+33662A>G (NM_133437.4); c.13657+33662A>G (NM_133432.3); c.26231-13A>G (NM_133378.4); c.29012-13A>G (NM_001256850.1).
Identifiers: ClinVar variation 46828 (VCV000046828.35), dbSNP rs72650008, ClinGen allele CA283066.